The following is an entry in ClinVar:

ClinVar aggregate classification (germline): Likely pathogenic (1 of 4 stars; one submission).

Conditions:
Stickler syndrome, type I, nonsyndromic ocular. Also called: STICKLER SYNDROME, TYPE I, PREDOMINANTLY OCULAR; STICKLER SYNDROME, ATYPICAL. Identifiers: MedGen C1836080, MONDO:0012287, OMIM 609508.

Submission:

Neuberg Centre For Genomic Medicine, NCGM
Classification: Likely pathogenic for Stickler syndrome, type I, nonsyndromic ocular. Review status: criteria provided, single submitter. Criteria: ACMG Guidelines, 2015. Collection method: clinical testing. Allele origin: germline. Inheritance: Autosomal dominant inheritance. Affected: yes.
Comment: The above variant has previously been reported in individuals reported with Sticktler syndrome (Barat-Houari M et al., 2016). Vriant is glycine change in tripple helix domain and considered as mutational hotspot . Hence the variant id classified as likely pathogenic.

NM_001844.5(COL2A1):c.1466G>A (p.Gly489Asp)

Gene: COL2A1 (collagen type II alpha 1 chain; minus strand). Cytogenetic location: 12q13.11.
Variant type: single nucleotide variant.
Coding change: c.1466G>A on transcript NM_001844.5 (MANE Select); coding-DNA position 1466, G replaced by A.
Protein change: p.Gly489Asp; replaces glycine 489 with aspartic acid.
Molecular consequence: missense variant.
Genome position (GRCh38, 1-based): chr12:47,986,397, C>T on the plus strand (G>A on the coding strand, the complement: COL2A1 is on the minus strand). VCF-style: chr12-47986397-C-T. GRCh37 (hg19) VCF-style: chr12-48380180-C-T.
Other names: c.1259G>A, p.Gly420Asp (NM_033150.3); short protein forms G420D, G489D.
Identifiers: ClinVar variation 4086210 (VCV004086210.1).